The following is an entry in ClinVar:

ClinVar aggregate classification (germline): Likely pathogenic (1 of 4 stars; one submission).

Conditions:
Menkes kinky-hair syndrome (MNK). Also called: Copper transport disease; Classic Menkes Disease; Menkes Disease. Identifiers: Orphanet 565, MedGen C0022716, MONDO:0010651, OMIM 309400.

Submission:

Myriad Genetics, Inc.
Classification: Likely pathogenic for Menkes kinky-hair syndrome. Last evaluated: 2022-03-30. Review status: criteria provided, single submitter. Criteria: Myriad Autosomal Dominant, Autosomal Recessive and X-Linked Classification Criteria (2023). Collection method: clinical testing. Allele origin: unknown.
Comment: NM_000052.5(ATP7A):c.1608_1611delTATA(I537Nfs*4) is expected to be pathogenic in the context of ATP7A-related disorders. This variant is predicted to lead to an abnormal or absent protein product due to the creation of a premature termination codon in ATP7A, a gene where loss-of-function variants are known to be pathogenic. Please note: this variant was assessed in the context of healthy population screening.

NM_000052.7(ATP7A):c.1608_1611del (p.Ile537fs)

Gene: ATP7A (ATPase copper transporting alpha; plus strand). Cytogenetic location: Xq21.1.
Variant type: Deletion.
Coding change: c.1608_1611del on transcript NM_000052.7 (MANE Select); coding-DNA positions 1608 to 1611, 4 bases deleted (TATA; older notation c.1608_1611delTATA).
Protein change: p.Ile537fs; shifts the reading frame from isoleucine 537.
Molecular consequence: frameshift variant.
Genome position (GRCh38, 1-based): chrX:78,003,137-78,003,140, TATA deleted. VCF-style (leftmost placement, unchanged base first): chrX-78003136-TTATA-T. GRCh37 (hg19) VCF-style: chrX-77258633-TTATA-T.
Other names: c.1608_1611del, p.Ile537fs (NM_001282224.2); short protein forms I537fs.
Identifiers: ClinVar variation 1725597 (VCV001725597.3), dbSNP rs2522325555, ClinGen allele CA2580101435.
Genomic context (GRCh38, chrX:78,003,136, plus strand): 5'-TATATTCTATACTTGTGGCCCTGATGGCTGGCAAGGCAGAAGTAAGGTATAATCCTGCTG[TTATA>T]CAACCCCCAATGATAGCAGAGTTCATCCGAGAACTTGGATTTGGAGCCACTGTGATAGAA-3'